The following is an entry in ClinVar:

NM_020693.4(DSCAML1):c.3397C>T (p.Leu1133Phe)

Gene: DSCAML1 (DS cell adhesion molecule like 1; minus strand). Cytogenetic location: 11q23.3.
Variant type: single nucleotide variant.
Coding change: c.3397C>T on transcript NM_020693.4 (MANE Select); coding-DNA position 3397, C replaced by T.
Protein change: p.Leu1133Phe; replaces leucine 1133 with phenylalanine.
Molecular consequence: missense variant.
Genome position (GRCh38, 1-based): chr11:117,461,465, G>A on the plus strand (C>T on the coding strand, the complement: DSCAML1 is on the minus strand). VCF-style: chr11-117461465-G-A. GRCh37 (hg19) VCF-style: chr11-117332181-G-A.
Other names: short protein forms L1133F.
Identifiers: ClinVar variation 2821051 (VCV002821051.3), dbSNP rs2543095184, ClinGen allele CA382736155.

ClinVar aggregate classification (germline): Uncertain significance (1 of 4 stars; one submission).

Submission:

Labcorp Genetics (formerly Invitae), Labcorp
Classification: Uncertain significance. Last evaluated: 2024-10-23. Review status: criteria provided, single submitter. Criteria: Invitae Variant Classification Sherloc (09022015). Collection method: clinical testing. Allele origin: germline.
Comment: This sequence change replaces leucine, which is neutral and non-polar, with phenylalanine, which is neutral and non-polar, at codon 1193 of the DSCAML1 protein (p.Leu1193Phe). This variant is not present in population databases (gnomAD no frequency). This variant has not been reported in the literature in individuals affected with DSCAML1-related conditions. An algorithm developed to predict the effect of missense changes on protein structure and function (PolyPhen-2) suggests that this variant is likely to be tolerated. In summary, the available evidence is currently insufficient to determine the role of this variant in disease. Therefore, it has been classified as a Variant of Uncertain Significance.